The following is an entry in ClinVar:

ClinVar aggregate classification (germline): Uncertain significance. Review status: criteria provided, single submitter (1 of 4 stars). 2 submissions from 2 submitters: Uncertain significance (1). 1 of the submissions does not count toward it. Last evaluated 2025-10-10.

Conditions:
Xeroderma pigmentosum group A (XPA). Also called: Xeroderma pigmentosum, complementation group A; XP, group A; XPA-Related Xeroderma Pigmentosum. Identifiers: Orphanet 910, MedGen C0268135, MONDO:0010210, OMIM 278700.

Submissions (2):

Myriad Genetics, Inc.
Classification: Uncertain significance for Xeroderma pigmentosum group A. Last evaluated: 2025-10-10. Review status: criteria provided, single submitter. Criteria: Myriad Autosomal Dominant, Autosomal Recessive and X-Linked Classification Criteria (2023). Collection method: clinical testing. Allele origin: unknown.
Comment: NM_000380.3(XPA):c.247_252del6(E83_E84del) is an in-frame deletion classified as a variant of uncertain significance in the context of xeroderma pigmentosum group A. E83_E84del has not been observed in cases with relevant disease. Relevant functional assessments of this variant are not available in the literature. E83_E84del has been observed in referenced population frequency databases. In summary, there is insufficient evidence to classify NM_000380.3(XPA):c.247_252del6(E83_E84del) as pathogenic or benign. Please note: this variant was assessed in the context of healthy population screening.

Counsyl
Classification: Uncertain significance for Xeroderma pigmentosum group A. Last evaluated: 2017-11-21. Review status: no assertion criteria provided. Collection method: clinical testing. Allele origin: unknown. Not counted in ClinVar's aggregate classification.

NM_000380.4(XPA):c.238GAA[3] (p.Glu83_Glu84del)

Gene: XPA (XPA, DNA damage recognition and repair factor; minus strand). Cytogenetic location: 9q22.33.
Variant type: Microsatellite.
Coding change: c.238GAA[3] on transcript NM_000380.4 (MANE Select); three copies in a row of the 3-base unit GAA starting at c.238; the reference has five copies in a row; two copies, 6 bases deleted.
Protein change: p.Glu83_Glu84del.
Molecular consequence: inframe deletion. On other transcripts: non-coding transcript variant (5).
Genome position (GRCh38, 1-based): chr9:97,693,680-97,693,685, TTCTTC deleted on the plus strand (GAAGAA on the coding strand, the reverse complement: XPA is on the minus strand); deleting any 6 consecutive bases within chr9:97,693,680-97,693,694 gives the same sequence; the position shown is the placement nearest the transcript's 3' end. VCF-style (leftmost placement, unchanged base first): chr9-97693679-GTTCTTC-G. GRCh37 (hg19) VCF-style: chr9-100455961-GTTCTTC-G.
Other names: c.112GAA[3], p.Glu41_Glu42del (NM_001354975.2); c.247_252del6 (NM_000380.3).
Identifiers: ClinVar variation 555172 (VCV000555172.3), dbSNP rs3176652, ClinGen allele CA5148876.